The following is an entry in ClinVar:

ClinVar aggregate classification (germline): Benign/Likely benign. Review status: criteria provided, multiple submitters, no conflicts (2 of 4 stars). 3 submissions from 3 submitters: Benign (1); Likely benign (2). Last evaluated 2025-07-14.

Conditions:
Hereditary cancer-predisposing syndrome. Also called: Tumor predisposition; Hereditary Cancer Syndrome; Neoplastic Syndromes, Hereditary; Hereditary neoplastic syndrome. Identifiers: Orphanet 140162, MedGen C0027672, MeSH D009386, MONDO:0015356.
Fanconi anemia complementation group J. Also called: BRIP1-Related Fanconi Anemia. Identifiers: Orphanet 84, MedGen C1836860, MONDO:0012187, OMIM 609054.
Familial cancer of breast. Also called: Hereditary breast cancer; BREAST CANCER, FAMILIAL; hereditary breast carcinoma. Identifiers: Orphanet 227535, MedGen C0346153, MONDO:0016419, OMIM 114480. Disease mechanism: loss of function.

Allele frequency attached by ClinVar (database versions not stated): TOPMed below 0.00001.

Submissions (3):

Labcorp Genetics (formerly Invitae), Labcorp
Classification: Likely benign for Familial cancer of breast; Fanconi anemia complementation group J. Last evaluated: 2025-07-14. Review status: criteria provided, single submitter. Criteria: Invitae Variant Classification Sherloc (09022015). Collection method: clinical testing. Allele origin: germline.

Myriad Genetics, Inc.
Classification: Benign for Familial cancer of breast. Last evaluated: 2024-09-10. Review status: criteria provided, single submitter. Criteria: Myriad Autosomal Dominant, Autosomal Recessive and X-Linked Classification Criteria (2023). Collection method: clinical testing. Allele origin: unknown.
Comment: This variant is considered benign. This variant is a silent/synonymous amino acid change and it is not expected to impact splicing.

Ambry Genetics
Classification: Likely benign for Hereditary cancer-predisposing syndrome. Last evaluated: 2023-08-30. Review status: criteria provided, single submitter. Criteria: Ambry Variant Classification Scheme 2023. Collection method: clinical testing. Allele origin: germline.

NM_032043.3(BRIP1):c.3201C>T (p.Cys1067=)

Gene: BRIP1 (BRCA1 interacting DNA helicase 1; minus strand). Cytogenetic location: 17q23.2.
Variant type: single nucleotide variant.
Coding change: c.3201C>T on transcript NM_032043.3 (MANE Select); coding-DNA position 3201, C replaced by T.
Protein change: p.Cys1067=; no amino-acid change (cysteine 1067 retained).
Molecular consequence: synonymous variant.
Genome position (GRCh38, 1-based): chr17:61,683,845, G>A on the plus strand (C>T on the coding strand, the complement: BRIP1 is on the minus strand). VCF-style: chr17-61683845-G-A. GRCh37 (hg19) VCF-style: chr17-59761206-G-A.
Identifiers: ClinVar variation 764689 (VCV000764689.14), dbSNP rs1477019492, ClinGen allele CA501335299.